The following is an entry in ClinVar:

ClinVar aggregate classification (germline): Likely benign. Review status: criteria provided, single submitter (1 of 4 stars). 2 submissions from 2 submitters: Likely benign (1). 1 of the submissions does not count toward it. Last evaluated 2024-09-23.

Conditions:
PCDH15-related disorder. Also called: PCDH15-related condition; PCDH15-related disorders.

Submissions (2):

Blueprint Genetics
Classification: Likely benign. Last evaluated: 2024-09-23. Review status: criteria provided, single submitter. Criteria: ACMG Guidelines, 2015. Collection method: clinical testing. Allele origin: germline.

PreventionGenetics, part of Exact Sciences
Classification: Likely benign for PCDH15-related condition. Last evaluated: 2024-07-13. Review status: no assertion criteria provided. Collection method: clinical testing. Allele origin: germline. Not counted in ClinVar's aggregate classification.
Comment: This variant is classified as likely benign based on ACMG/AMP sequence variant interpretation guidelines (Richards et al. 2015 PMID: 25741868, with internal and published modifications).

NM_001384140.1(PCDH15):c.4672-10_4672-7dup

Gene: PCDH15 (protocadherin related 15; minus strand). Cytogenetic location: 10q21.1.
Variant type: Duplication.
Coding change: c.4672-10_4672-7dup on transcript NM_001384140.1 (MANE Select); 10 bases into the intron before coding-DNA position 4672 through 7 bases into the intron before coding-DNA position 4672, 4 bases duplicated (ATTT; older notation c.4672-10_4672-7dupATTT).
Molecular consequence: intron variant.
Genome position (GRCh38, 1-based): chr10:53,807,137-53,807,140, AAAT duplicated on the plus strand (ATTT on the coding strand, the reverse complement: PCDH15 is on the minus strand); duplicating any 4 consecutive bases within chr10:53,807,137-53,807,143 gives the same sequence; the c. name uses the placement nearest the transcript's 3' end. VCF-style (leftmost placement, unchanged base first): chr10-53807136-A-AAAAT. GRCh37 (hg19) VCF-style: chr10-55566896-A-AAAAT.
Other names: c.4477-10_4477-7dup (NM_001354420.2); c.4606-10_4606-7dup (NM_001354429.2); c.4483-10_4483-7dup (NM_001142772.2); c.4498-10_4498-7dup (NM_001142771.2).
Identifiers: ClinVar variation 3353123 (VCV003353123.2).
Genomic context (GRCh38, chr10:53,807,136, plus strand): 5'-AGCTGGTTTCATACTCTCGATCAACAACTAACTTGATCATTCTTTTTCTTGCCCACTGAT[A>AAAAT]AAATAAACAAAAATATGTGAGTCACTATCAAATAAATTAAAAAGGCAATGATTACATTGC-3'